The following is an entry in ClinVar:

ClinVar aggregate classification (germline): Likely benign. Review status: criteria provided, multiple submitters, no conflicts (2 of 4 stars). 5 submissions from 5 submitters: Likely benign (5). Last evaluated 2026-09-04.

Conditions:
Charcot-Marie-Tooth disease. Also called: Charcot-Marie-Tooth Neuropathy; Charcot-Marie-Tooth Hereditary Neuropathy. Identifiers: Orphanet 166, MedGen C0007959, MONDO:0015626.
GDAP1-related disorder. Also called: GDAP1-related condition; GDAP1-related disorders.
Charcot-Marie-Tooth disease type 4A. Also called: Charcot-Marie-Tooth disease, demyelinating, autosomal recessive, type 4a. Identifiers: Orphanet 99948, MedGen C1859198, MONDO:0008961, OMIM 214400.

Allele frequency attached by ClinVar (database versions not stated): gnomAD 0.00009 and 0.00008; ExAC 0.00005; gnomAD exomes 0.00005; TOPMed 0.00005.
gnomAD v4.1: 104 of 1,613,988 alleles (0.0064%); highest among the groups gnomAD compares: Non-Finnish European, 0.0081%; no homozygotes.

Submissions (5):

PreventionGenetics, part of Exact Sciences
Classification: Likely benign for GDAP1-related condition. Last evaluated: 2026-09-04. Review status: criteria provided, single submitter. Criteria: ACMG Guidelines, 2015. Collection method: clinical testing. Allele origin: germline.
Comment: This variant is classified as likely benign based on ACMG/AMP sequence variant interpretation guidelines (Richards et al. 2015 PMID: 25741868, with internal and published modifications).

Labcorp Genetics (formerly Invitae), Labcorp
Classification: Likely benign for Charcot-Marie-Tooth disease type 4A. Last evaluated: 2025-06-27. Review status: criteria provided, single submitter. Criteria: Invitae Variant Classification Sherloc (09022015). Collection method: clinical testing. Allele origin: germline.

Women's Health and Genetics/Laboratory Corporation of America, LabCorp
Classification: Likely benign. Last evaluated: 2025-06-05. Review status: criteria provided, single submitter. Criteria: LabCorp Variant Classification Summary - May 2015. Collection method: clinical testing. Allele origin: germline.

ARUP Laboratories, Molecular Genetics and Genomics, ARUP Laboratories
Classification: Likely benign. Last evaluated: 2022-04-07. Review status: criteria provided, single submitter. Criteria: ARUP Molecular Germline Variant Investigation Process 2021. Collection method: clinical testing. Allele origin: germline.

Molecular Genetics Laboratory, London Health Sciences Centre
Classification: Likely benign for Charcot-Marie-Tooth disease. Review status: criteria provided, single submitter. Criteria: ACMG Guidelines, 2015. Collection method: clinical testing. Allele origin: germline. Affected: yes.

NM_018972.4(GDAP1):c.894T>C (p.Asn298=)

Gene: GDAP1 (ganglioside induced differentiation associated protein 1; plus strand). Cytogenetic location: 8q21.11.
Variant type: single nucleotide variant.
Coding change: c.894T>C on transcript NM_018972.4 (MANE Select); coding-DNA position 894, T replaced by C.
Protein change: p.Asn298=; no amino-acid change (asparagine 298 retained).
Molecular consequence: synonymous variant. On other transcripts: intron variant (1).
Genome position (GRCh38, 1-based): chr8:74,364,184, T>C. VCF-style: chr8-74364184-T-C. GRCh37 (hg19) VCF-style: chr8-75276419-T-C.
Other names: c.690T>C, p.Asn230= (NM_001040875.4); c.567T>C, p.Asn189= (NM_001362929.2, NM_001362932.2); c.720T>C, p.Asn240= (NM_001362930.2); c.694+1131T>C (NM_001362931.2).
Identifiers: ClinVar variation 917087 (VCV000917087.14), dbSNP rs756599272, ClinGen allele CA4785212.
Genomic context (GRCh38, chr8:74,364,184, plus strand): 5'-CTATTACGAGCGTGTCTTGAAGAGAAAAACATTTAACAAGGTTTTAGGACATGTCAACAA[T>C]ATATTAATCTCTGCAGTGCTGCCAACAGCATTCCGGGTGGCCAAGAAAAGGGCCCCAAAA-3'
Protein context (NP_061845.2, residues 288-308): TFNKVLGHVN[Asn298=]ILISAVLPTA